The following is an entry in ClinVar:

NM_001371596.2(MFSD8):c.155-15T>C

Gene: MFSD8 (major facilitator superfamily domain containing 8; minus strand). Cytogenetic location: 4q28.2.
Variant type: single nucleotide variant.
Coding change: c.155-15T>C on transcript NM_001371596.2 (MANE Select); 15 bases into the intron before coding-DNA position 155, T replaced by C.
Molecular consequence: intron variant.
Genome position (GRCh38, 1-based): chr4:127,949,862, A>G on the plus strand (T>C on the coding strand, the complement: MFSD8 is on the minus strand). VCF-style: chr4-127949862-A-G. GRCh37 (hg19) VCF-style: chr4-128871017-A-G.
Other names: c.20-15T>C (NM_001371595.1, NM_001410765.1, NM_001371590.2); c.155-15T>C (NM_152778.4, NM_001363521.3, NM_001410766.1 and 5 more transcripts).
Identifiers: ClinVar variation 206135 (VCV000206135.11), dbSNP rs374019724, ClinGen allele CA315934.

ClinVar aggregate classification (germline): Benign/Likely benign. Review status: criteria provided, multiple submitters, no conflicts (2 of 4 stars). 3 submissions from 3 submitters: Benign (1); Likely benign (2). Last evaluated 2025-07-28.

Conditions:
Neuronal ceroid lipofuscinosis 7 (CLN7). Also called: MFSD8-Related Neuronal Ceroid-Lipofuscinosis. Identifiers: Orphanet 168491, Orphanet 228366, MedGen C1838571, MONDO:0012588, OMIM 610951.

Allele frequency attached by ClinVar (database versions not stated): ExAC 0.00002; gnomAD exomes 0.00002; ESP Exome Variant Server 0.00008; gnomAD 0.00014 and 0.00015; TOPMed 0.00014; 1000 Genomes Project 0.00020; 1000 Genomes Project 30x 0.00031.
gnomAD v4.1: 43 of 1,602,576 alleles (0.0027%); highest among the groups gnomAD compares: African/African-American, 0.055%; no homozygotes.

Submissions (3):

Labcorp Genetics (formerly Invitae), Labcorp
Classification: Likely benign for Neuronal ceroid lipofuscinosis 7. Last evaluated: 2025-07-28. Review status: criteria provided, single submitter. Criteria: Invitae Variant Classification Sherloc (09022015). Collection method: clinical testing. Allele origin: germline.

Blueprint Genetics
Classification: Likely benign. Last evaluated: 2022-07-29. Review status: criteria provided, single submitter. Criteria: ACMG Guidelines, 2015. Collection method: clinical testing. Allele origin: germline.

GeneDx
Classification: Benign. Last evaluated: 2014-08-05. Review status: criteria provided, single submitter. Criteria: GeneDx Variant Classification (06012015). Collection method: clinical testing. Allele origin: germline. Affected: yes.
Comment: This variant is considered likely benign or benign based on one or more of the following criteria: it is a conservative change, it occurs at a poorly conserved position in the protein, it is predicted to be benign by multiple in silico algorithms, and/or has population frequency not consistent with disease.